The following is an entry in ClinVar:

NM_000051.4(ATM):c.4344A>T (p.Leu1448Phe)

Gene: ATM (ATM serine/threonine kinase; plus strand). Cytogenetic location: 11q22.3.
Variant type: single nucleotide variant.
Coding change: c.4344A>T on transcript NM_000051.4 (MANE Select); coding-DNA position 4344, A replaced by T.
Protein change: p.Leu1448Phe; replaces leucine 1448 with phenylalanine.
Molecular consequence: missense variant.
Genome position (GRCh38, 1-based): chr11:108,289,709, A>T. VCF-style: chr11-108289709-A-T. GRCh37 (hg19) VCF-style: chr11-108160436-A-T.
Other names: c.4344A>T, p.Leu1448Phe (NM_001351834.2); short protein forms L1448F.
Identifiers: ClinVar variation 2447500 (VCV002447500.2), dbSNP rs1248688675, ClinGen allele CA382531973.

ClinVar aggregate classification (germline): Uncertain significance (1 of 4 stars; one submission).

Conditions:
Hereditary cancer-predisposing syndrome. Also called: Neoplastic Syndromes, Hereditary; Hereditary Cancer Syndrome; Tumor predisposition; Hereditary neoplastic syndrome. Identifiers: Orphanet 140162, MedGen C0027672, MeSH D009386, MONDO:0015356.

Submission:

Ambry Genetics
Classification: Uncertain significance for Hereditary cancer-predisposing syndrome. Last evaluated: 2022-12-23. Review status: criteria provided, single submitter. Criteria: Ambry Variant Classification Scheme 2023. Collection method: clinical testing. Allele origin: germline.
Comment: The p.L1448F variant (also known as c.4344A>T), located in coding exon 28 of the ATM gene, results from an A to T substitution at nucleotide position 4344. The leucine at codon 1448 is replaced by phenylalanine, an amino acid with highly similar properties. This amino acid position is conserved. In addition, the in silico prediction for this alteration is inconclusive. Since supporting evidence is limited at this time, the clinical significance of this alteration remains unclear.